The following is an entry in ClinVar:

NM_001059.3(TACR3):c.737+253_737+254insAT

Gene: TACR3 (tachykinin receptor 3; minus strand). Cytogenetic location: 4q24.
Variant type: Insertion.
Coding change: c.737+253_737+254insAT on transcript NM_001059.3 (MANE Select); bases 253 to 254 of the intron after coding-DNA position 737, AT inserted.
Molecular consequence: intron variant.
Genome position: GRCh38 VCF-style: chr4-103657961-C-CAT. GRCh37 (hg19) VCF-style: chr4-104579118-C-CAT.
Identifiers: ClinVar variation 672985 (VCV000672985.1), dbSNP rs757596635, ClinGen allele CA103195267.
Genomic context (GRCh38, chr4:103,657,961, plus strand): 5'-ACTCATTTCTCAATCAATAACACAATGCTTTTCTTTGCACATTGCTTTTATCTTTTATCA[C>CAT]TTCCTTCAGGAAACTCTCCAGTGCCATCCCACATAGACATCCTCATATTTCCAATTAAAA-3'

ClinVar aggregate classification (germline): Likely benign (1 of 4 stars; one submission).

Allele frequency attached by ClinVar (database versions not stated): gnomAD 0.03764 and 0.03787.

Submission:

GeneDx
Classification: Likely benign. Last evaluated: 2018-06-14. Review status: criteria provided, single submitter. Criteria: GeneDx Variant Classification (06012015). Collection method: clinical testing. Allele origin: germline. Affected: yes.
Comment: This variant is considered likely benign or benign based on one or more of the following criteria: it is a conservative change, it occurs at a poorly conserved position in the protein, it is predicted to be benign by multiple in silico algorithms, and/or has population frequency not consistent with disease.